The following is an entry in ClinVar:

NM_001166412.2(SMOC2):c.296A>C (p.Glu99Ala)

Gene: SMOC2 (SPARC related modular calcium binding 2; plus strand). Cytogenetic location: 6q27.
Variant type: single nucleotide variant.
Coding change: c.296A>C on transcript NM_001166412.2 (MANE Select); coding-DNA position 296, A replaced by C.
Protein change: p.Glu99Ala; replaces glutamic acid 99 with alanine.
Molecular consequence: missense variant.
Genome position (GRCh38, 1-based): chr6:168,526,385, A>C. VCF-style: chr6-168526385-A-C. GRCh37 (hg19) VCF-style: chr6-168927065-A-C.
Other names: c.296A>C, p.Glu99Ala (NM_022138.3); short protein forms E99A.
Identifiers: ClinVar variation 4727499 (VCV004727499.1).

ClinVar aggregate classification (germline): Uncertain significance (1 of 4 stars; one submission).

Submission:

Labcorp Genetics (formerly Invitae), Labcorp
Classification: Uncertain significance. Last evaluated: 2025-11-01. Review status: criteria provided, single submitter. Criteria: Invitae Variant Classification Sherloc (09022015). Collection method: clinical testing. Allele origin: germline.
Comment: This sequence change replaces glutamic acid, which is acidic and polar, with alanine, which is neutral and non-polar, at codon 99 of the SMOC2 protein (p.Glu99Ala). This variant is not present in population databases (gnomAD no frequency). This variant has not been reported in the literature in individuals affected with SMOC2-related conditions. An algorithm developed to predict the effect of missense changes on protein structure and function (PolyPhen-2) suggests that this variant is likely to be tolerated. In summary, the available evidence is currently insufficient to determine the role of this variant in disease. Therefore, it has been classified as a Variant of Uncertain Significance.